The following is an entry in ClinVar:

ClinVar aggregate classification (germline): Uncertain significance. Review status: criteria provided, multiple submitters, no conflicts (2 of 4 stars). 2 submissions from 2 submitters: Uncertain significance (2). Last evaluated 2022-06-20.

Submissions (2):

Labcorp Genetics (formerly Invitae), Labcorp
Classification: Uncertain significance. Last evaluated: 2022-06-20. Review status: criteria provided, single submitter. Criteria: Invitae Variant Classification Sherloc (09022015). Collection method: clinical testing. Allele origin: germline.
Comment: This sequence change replaces threonine, which is neutral and polar, with proline, which is neutral and non-polar, at codon 301 of the HMX1 protein (p.Thr301Pro). This variant has not been reported in the literature in individuals affected with HMX1-related conditions. This variant is not present in population databases (gnomAD no frequency). Algorithms developed to predict the effect of missense changes on protein structure and function (SIFT, PolyPhen-2, Align-GVGD) all suggest that this variant is likely to be tolerated. In summary, the available evidence is currently insufficient to determine the role of this variant in disease. Therefore, it has been classified as a Variant of Uncertain Significance.

Breakthrough Genomics
Classification: Uncertain significance. Review status: criteria provided, single submitter. Criteria: ACMG Guidelines, 2015. Collection method: not provided. Allele origin: germline. Inheritance: Autosomal recessive inheritance. Affected: yes.

NM_018942.3(HMX1):c.901A>C (p.Thr301Pro)

Gene: HMX1 (H6 family homeobox 1; minus strand). Cytogenetic location: 4p16.1.
Variant type: single nucleotide variant.
Coding change: c.901A>C on transcript NM_018942.3 (MANE Select); coding-DNA position 901, A replaced by C.
Protein change: p.Thr301Pro; replaces threonine 301 with proline.
Molecular consequence: missense variant. On other transcripts: intron variant (1).
Genome position (GRCh38, 1-based): chr4:8,867,839, T>G on the plus strand (A>C on the coding strand, the complement: HMX1 is on the minus strand). VCF-style: chr4-8867839-T-G. GRCh37 (hg19) VCF-style: chr4-8869565-T-G.
Other names: c.394+3382A>C (NM_001306142.2); short protein forms T301P.
Identifiers: ClinVar variation 1378358 (VCV001378358.7), dbSNP rs2109472747, ClinGen allele CA356277536.
Genomic context (GRCh38, chr4:8,867,839, plus strand): 5'-AGAAGCCGAGCAGCGGTGGGGGCGGCGCGGGCGCGGCGGGCGCCAGCGGGAAGGGCAGGG[T>G]GGCCGGGGGCCCAGCGGCGGCTGCGGCCGGGGGGCTTTCGTGGTAGAGCACCGGCACGCG-3'
Protein context (NP_061815.2, residues 291-311): PAAAAAGPPA[Thr301Pro]LPFPLAPAAP